The following is an entry in ClinVar:

ClinVar aggregate classification (germline): Conflicting classifications of pathogenicity. Review status: criteria provided, conflicting classifications (1 of 4 stars). 3 submissions from 3 submitters: Uncertain significance (1); Likely benign (2). Last evaluated 2025-12-10.

Conditions:
RPGRIP1-related disorder. Also called: RPGRIP1-related condition.
Cone-rod dystrophy 13 (CORD13). Identifiers: Orphanet 1872, MedGen C2750720, MONDO:0011987, OMIM 608194.
Leber congenital amaurosis 6 (LCA6). Identifiers: Orphanet 65, MedGen C1854260, MONDO:0013446, OMIM 613826.

Allele frequency attached by ClinVar (database versions not stated): gnomAD exomes below 0.00001 and 0.00002; ExAC 0.00001; TOPMed 0.00003.
gnomAD v4.1: 26 of 1,613,638 alleles (0.0016%); highest among the groups gnomAD compares: Non-Finnish European, 0.0022%; no homozygotes.

Submissions (3):

Labcorp Genetics (formerly Invitae), Labcorp
Classification: Likely benign for Leber congenital amaurosis 6; Cone-rod dystrophy 13. Last evaluated: 2025-12-10. Review status: criteria provided, single submitter. Criteria: Invitae Variant Classification Sherloc (09022015). Collection method: clinical testing. Allele origin: germline.

PreventionGenetics, part of Exact Sciences
Classification: Likely benign for RPGRIP1-related condition. Last evaluated: 2025-11-25. Review status: criteria provided, single submitter. Criteria: ACMG Guidelines, 2015. Collection method: clinical testing. Allele origin: germline.
Comment: This variant is classified as likely benign based on ACMG/AMP sequence variant interpretation guidelines (Richards et al. 2015 PMID: 25741868, with internal and published modifications).

Eurofins Ntd Llc (ga)
Classification: Uncertain significance. Last evaluated: 2013-10-16. Review status: criteria provided, single submitter. Criteria: EGL Classification Definitions 2015. Collection method: clinical testing. Allele origin: germline. Observed: 1 variant allele, 1 heterozygote.

NM_020366.4(RPGRIP1):c.783G>A (p.Gln261=)

Gene: RPGRIP1 (RPGR interacting protein 1; plus strand). Cytogenetic location: 14q11.2.
Variant type: single nucleotide variant.
Coding change: c.783G>A on transcript NM_020366.4 (MANE Select); coding-DNA position 783, G replaced by A.
Protein change: p.Gln261=; no amino-acid change (glutamine 261 retained).
Molecular consequence: synonymous variant.
Genome position (GRCh38, 1-based): chr14:21,303,526, G>A. VCF-style: chr14-21303526-G-A. GRCh37 (hg19) VCF-style: chr14-21771685-G-A.
Identifiers: ClinVar variation 95952 (VCV000095952.13), dbSNP rs398124356, ClinGen allele CA223570.